The following is an entry in ClinVar:

NM_000091.5(COL4A3):c.3119G>C (p.Arg1040Thr)

Genes: COL4A3 (collagen type IV alpha 3 chain; plus strand), MFF-DT (MFF divergent transcript; minus strand). Cytogenetic location: 2q36.3.
Variant type: single nucleotide variant.
Coding change: c.3119G>C on transcript NM_000091.5 (MANE Select); coding-DNA position 3119, G replaced by C.
Protein change: p.Arg1040Thr; replaces arginine 1040 with threonine.
Molecular consequence: missense variant.
Genome position (GRCh38, 1-based): chr2:227,290,795, G>C. VCF-style: chr2-227290795-G-C. GRCh37 (hg19) VCF-style: chr2-228155511-G-C.
Other names: short protein forms R1040T.
Identifiers: ClinVar variation 3703574 (VCV003703574.2).

ClinVar aggregate classification (germline): Uncertain significance. Review status: criteria provided, multiple submitters, no conflicts (2 of 4 stars). 2 submissions from 2 submitters: Uncertain significance (2). Last evaluated 2025-03-18.

Conditions:
Inborn genetic diseases. Identifiers: MedGen C0950123, MeSH D030342.

gnomAD v4.1: 10 of 1,613,682 alleles (0.00062%); highest among the groups gnomAD compares: Admixed American, 0.012%; no homozygotes.

Submissions (2):

Ambry Genetics
Classification: Uncertain significance for Inborn genetic diseases. Last evaluated: 2025-03-18. Review status: criteria provided, single submitter. Criteria: Ambry Variant Classification Scheme 2023. Collection method: clinical testing. Allele origin: germline.

Labcorp Genetics (formerly Invitae), Labcorp
Classification: Uncertain significance. Last evaluated: 2025-01-24. Review status: criteria provided, single submitter. Criteria: Invitae Variant Classification Sherloc (09022015). Collection method: clinical testing. Allele origin: germline.
Comment: This sequence change replaces arginine, which is basic and polar, with threonine, which is neutral and polar, at codon 1040 of the COL4A3 protein (p.Arg1040Thr). This variant is present in population databases (rs187864249, gnomAD 0.006%). This variant has not been reported in the literature in individuals affected with COL4A3-related conditions. Invitae Evidence Modeling of protein sequence and biophysical properties (such as structural, functional, and spatial information, amino acid conservation, physicochemical variation, residue mobility, and thermodynamic stability) indicates that this missense variant is not expected to disrupt COL4A3 protein function with a negative predictive value of 95%. In summary, the available evidence is currently insufficient to determine the role of this variant in disease. Therefore, it has been classified as a Variant of Uncertain Significance.